The following is an entry in ClinVar:

NM_001940.4(ATN1):c.3155A>C (p.His1052Pro)

Gene: ATN1 (atrophin 1; plus strand). Cytogenetic location: 12p13.31.
Variant type: single nucleotide variant.
Coding change: c.3155A>C on transcript NM_001940.4 (MANE Select); coding-DNA position 3155, A replaced by C.
Protein change: p.His1052Pro; replaces histidine 1052 with proline.
Molecular consequence: missense variant.
Genome position (GRCh38, 1-based): chr12:6,939,118, A>C. VCF-style: chr12-6939118-A-C. GRCh37 (hg19) VCF-style: chr12-7048281-A-C.
Other names: c.3155A>C, p.His1052Pro (NM_001007026.2); short protein forms H1052P.
Identifiers: ClinVar variation 1012271 (VCV001012271.4), dbSNP rs2138219892, ClinGen allele CA383741211.

ClinVar aggregate classification (germline): Pathogenic/Likely pathogenic. Review status: criteria provided, multiple submitters, no conflicts (2 of 4 stars). 3 submissions from 3 submitters: Pathogenic (1); Likely pathogenic (1). 1 of the submissions does not count toward it. Last evaluated 2021-03-04.

Conditions:
Congenital hypotonia, epilepsy, developmental delay, and digital anomalies (CHEDDA). Also called: ATN1-Related Neurodevelopmental Disorder. Identifiers: MedGen C5193125, MONDO:0032781, OMIM 618494.

Submissions (3):

Sydney Children's Hospital, SCHN
Classification: Pathogenic for Congenital hypotonia, epilepsy, developmental delay, and digital anomalies. Last evaluated: 2021-03-04. Review status: criteria provided, single submitter. Criteria: ACMG Guidelines, 2015. Collection method: clinical testing. Allele origin: de novo. Inheritance: Autosomal dominant inheritance. Affected: yes. Observed: 1 variant allele, 1 heterozygote.
Comment: The variant is predicted to disrupt the critical HX domain where all other patients with CHEDDA syndrome have their variants.

Laboratoire de Génétique Moléculaire, CHU Bordeaux
Classification: Likely pathogenic. Review status: criteria provided, single submitter. Criteria: ACMG Guidelines, 2015. Collection method: clinical testing. Allele origin: germline. Affected: yes.

Solve-RD Consortium
Classification: Likely pathogenic for Congenital hypotonia, epilepsy, developmental delay, and digital anomalies. Last evaluated: 2022-06-01. Review status: no assertion criteria provided. Collection method: provider interpretation. Allele origin: de novo. Affected: yes. Not counted in ClinVar's aggregate classification.
Comment: Variant confirmed as disease-causing by referring clinical team

Variant identified during reanalysis of unsolved cases by the Solve-RD project. The Solve-RD project has received funding from the European Union’s Horizon 2020 research and innovation programme under grant agreement No 779257.

Literature cited by the submitters: PubMed 39825153 (cited by Solve-RD Consortium).